The following is an entry in ClinVar:

NM_000257.4(MYH7):c.639+5G>T

Gene: MYH7 (myosin heavy chain 7; minus strand). Cytogenetic location: 14q11.2.
Variant type: single nucleotide variant.
Coding change: c.639+5G>T on transcript NM_000257.4 (MANE Select); 5 bases into the intron after coding-DNA position 639, G replaced by T.
Molecular consequence: intron variant.
Genome position (GRCh38, 1-based): chr14:23,431,756, C>A on the plus strand (G>T on the coding strand, the complement: MYH7 is on the minus strand). VCF-style: chr14-23431756-C-A. GRCh37 (hg19) VCF-style: chr14-23900965-C-A.
Identifiers: ClinVar variation 921689 (VCV000921689.9), dbSNP rs765724983, ClinGen allele CA048600.
Genomic context (GRCh38, chr14:23,431,756, plus strand): 5'-AGGCAGGTGAGAGCTCTTCTCCCTCCCTTTCTGCGGTACAGGACCTTGGAGGGCAGCAGG[C>A]CTACCTTGCCCGGGCTCTGGTCCTTCTTGCTGCGGTCCCCAATGGCTGCAATAACAGCAA-3'

ClinVar aggregate classification (germline): Conflicting classifications of pathogenicity. Review status: criteria provided, conflicting classifications (1 of 4 stars). 7 submissions from 7 submitters: Uncertain significance (6); Likely benign (1). Last evaluated 2026-02-27.

Conditions:
Myopathy, myosin storage, autosomal recessive (CMYO7B). Also called: CONGENITAL MYOPATHY 7B, MYOSIN STORAGE, AUTOSOMAL RECESSIVE. Identifiers: Orphanet 636970, MedGen C1850709, MONDO:0009708, OMIM 255160.
Myosin storage myopathy (CMYO7A). Also called: MYOPATHY WITH LYSIS OF TYPE I MYOFIBRILS; MYH7-related late-onset scapuloperoneal muscular dystrophy; Congenital myopathy 7A, myosin storage, autosomal dominant; SCAPULOPERONEAL MUSCULAR DYSTROPHY; SCAPULOPERONEAL SYNDROME, MYOPATHIC TYPE; MYOPATHY, HYALINE BODY, AUTOSOMAL DOMINANT. Identifiers: Orphanet 437572, Orphanet 636965, MedGen C1842160, MONDO:0008409, OMIM 608358.
Congenital myopathy with fiber type disproportion. Also called: Congenital fiber-type disproportion myopathy; Congenital fiber-type disproportion. Identifiers: Orphanet 2020, MedGen C0546264, MONDO:0009711. Inheritance: all.
Hypertrophic cardiomyopathy 1 (CMH1). Also called: MYH7-Related Familial Hypertrophic Cardiomyopathy; Familial hypertrophic cardiomyopathy 1. Identifiers: MedGen C3495498, MONDO:0008647, OMIM 192600.
Dilated cardiomyopathy 1S (CMD1S). Identifiers: Orphanet 154, Orphanet 54260, MedGen C1834481, MONDO:0013262, OMIM 613426.
MYH7-related skeletal myopathy. Also called: Myopathy, distal, 1; Laing distal myopathy; Laing early-onset distal myopathy; MYOPATHY, DISTAL, EARLY-ONSET, AUTOSOMAL DOMINANT; MYOPATHY, LATE DISTAL HEREDITARY. Identifiers: Orphanet 59135, MedGen C4552004, MONDO:0008050, OMIM 160500.
Cardiomyopathy (CMYO). Also called: Cardiomyopathies. Identifiers: Orphanet 167848, MedGen C0878544, MONDO:0004994, HP:0001638. Inheritance: Various modes of inheritance.
Cardiovascular phenotype. Identifiers: MedGen CN230736.
Hypertrophic cardiomyopathy. Also called: HYPERTROPHIC MYOCARDIOPATHY. Identifiers: Orphanet 217569, MedGen C0007194, MeSH D002312, MONDO:0005045, HP:0001639.

Allele frequency attached by ClinVar (database versions not stated): gnomAD exomes below 0.00001 and 0.00001; ExAC 0.00001; TOPMed 0.00002; gnomAD 0.00003.

Submissions (7):

Ambry Genetics
Classification: Uncertain significance for Cardiovascular phenotype. Last evaluated: 2026-02-27. Review status: criteria provided, single submitter. Criteria: Ambry Variant Classification Scheme 2023. Collection method: clinical testing. Allele origin: germline.
Comment: The c.639+5G>T intronic variant results from a G to T substitution 5 nucleotides after coding exon 5 in the MYH7 gene. This nucleotide position is well conserved in available vertebrate species. In silico splice site analysis predicts that this alteration will not have any significant effect on splicing. Based on the available evidence, the clinical significance of this variant remains unclear.

Molecular Diagnostic Laboratory for Inherited Cardiovascular Disease, Montreal Heart Institute
Classification: Uncertain significance for Cardiovascular phenotype. Last evaluated: 2025-04-09. Review status: criteria provided, single submitter. Criteria: ACMG Guidelines, 2015. Collection method: clinical testing. Allele origin: germline. Affected: yes.

Blueprint Genetics
Classification: Likely benign. Last evaluated: 2024-07-01. Review status: criteria provided, single submitter. Criteria: ACMG Guidelines, 2015. Collection method: clinical testing. Allele origin: germline.

All of Us Research Program, National Institutes of Health
Classification: Uncertain significance for Cardiomyopathy. Last evaluated: 2024-03-24. Review status: criteria provided, single submitter. Criteria: ACMG Guidelines, 2015. Collection method: clinical testing. Allele origin: germline. Inheritance: Autosomal dominant inheritance. Observed: 1 variant allele, 1 heterozygote.
Comment: This variant causes a G to T nucleotide substitution at the +5 position of intron 7 of the MYH7 gene. Splice site prediction tools are inconclusive regarding the impact of this variant on RNA splicing. To our knowledge, RNA studies have not been reported for this variant. This variant has not been reported in individuals affected with MYH7-related disorders in the literature. This variant has been identified in 1/251490 chromosomes in the general population by the Genome Aggregation Database (gnomAD). The available evidence is insufficient to determine the role of this variant in disease conclusively. Therefore, this variant is classified as a Variant of Uncertain Significance.

This study involves interpretation of variants in research participants for the purpose of population health screening. Participant phenotype was not available at the time of variant classification. Additional details can be found in publication PMID: 35346344, PMCID: PMC8962531

Color Diagnostics, LLC DBA Color Health
Classification: Uncertain significance for Cardiomyopathy. Last evaluated: 2024-03-03. Review status: criteria provided, single submitter. Criteria: ACMG Guidelines, 2015. Collection method: clinical testing. Allele origin: germline.
Comment: This variant causes a G to T nucleotide substitution at the +5 position of intron 7 of the MYH7 gene. Splice site prediction tools are inconclusive regarding the impact of this variant on RNA splicing. To our knowledge, RNA studies have not been reported for this variant. This variant has not been reported in individuals affected with MYH7-related disorders in the literature. This variant has been identified in 1/251490 chromosomes in the general population by the Genome Aggregation Database (gnomAD). The available evidence is insufficient to determine the role of this variant in disease conclusively. Therefore, this variant is classified as a Variant of Uncertain Significance.

Labcorp Genetics (formerly Invitae), Labcorp
Classification: Uncertain significance for Hypertrophic cardiomyopathy. Last evaluated: 2023-07-13. Review status: criteria provided, single submitter. Criteria: Invitae Variant Classification Sherloc (09022015). Collection method: clinical testing. Allele origin: germline.
Comment: This sequence change falls in intron 7 of the MYH7 gene. It does not directly change the encoded amino acid sequence of the MYH7 protein. It affects a nucleotide within the consensus splice site. This variant is present in population databases (rs765724983, gnomAD 0.0009%). This variant has not been reported in the literature in individuals affected with MYH7-related conditions. ClinVar contains an entry for this variant (Variation ID: 921689). Variants that disrupt the consensus splice site are a relatively common cause of aberrant splicing (PMID: 17576681, 9536098). Algorithms developed to predict the effect of sequence changes on RNA splicing suggest that this variant is not likely to affect RNA splicing. In summary, the available evidence is currently insufficient to determine the role of this variant in disease. Therefore, it has been classified as a Variant of Uncertain Significance.

Fulgent Genetics
Classification: Uncertain significance for MYH7-related skeletal myopathy; Myosin storage myopathy; Hypertrophic cardiomyopathy 1; Myopathy, myosin storage, autosomal recessive; Congenital myopathy 4A, autosomal dominant; Dilated cardiomyopathy 1S. Last evaluated: 2021-08-13. Review status: criteria provided, single submitter. Criteria: ACMG Guidelines, 2015. Collection method: clinical testing. Allele origin: unknown.

Literature cited by the submitters: PubMed 17576681 (cited by Labcorp Genetics (formerly Invitae), Labcorp); PubMed 9536098 (cited by Labcorp Genetics (formerly Invitae), Labcorp).